The following is an entry in ClinVar:

NM_004484.4(GPC3):c.1331A>G (p.Gln444Arg)

Gene: GPC3 (glypican 3; minus strand). Cytogenetic location: Xq26.2.
Variant type: single nucleotide variant.
Coding change: c.1331A>G on transcript NM_004484.4 (MANE Select); coding-DNA position 1331, A replaced by G.
Protein change: p.Gln444Arg; replaces glutamine 444 with arginine.
Molecular consequence: missense variant.
Genome position (GRCh38, 1-based): chrX:133,661,812, T>C on the plus strand (A>G on the coding strand, the complement: GPC3 is on the minus strand). VCF-style: chrX-133661812-T-C. GRCh37 (hg19) VCF-style: chrX-132795840-T-C.
Other names: c.1400A>G, p.Gln467Arg (NM_001164617.2); c.1283A>G, p.Gln428Arg (NM_001164618.2); c.1169A>G, p.Gln390Arg (NM_001164619.2); short protein forms Q390R, Q428R, Q444R, Q467R.
Identifiers: ClinVar variation 2913997 (VCV002913997.3), dbSNP rs1053066164, ClinGen allele CA414704685.

ClinVar aggregate classification (germline): Uncertain significance (1 of 4 stars; one submission).

Conditions:
Wilms tumor 1 (WT1). Also called: Wilms tumor, somatic. Identifiers: Orphanet 654, MedGen CN033288, MONDO:0008679, OMIM 194070.

Submission:

Labcorp Genetics (formerly Invitae), Labcorp
Classification: Uncertain significance for Wilms tumor 1. Last evaluated: 2023-07-30. Review status: criteria provided, single submitter. Criteria: Invitae Variant Classification Sherloc (09022015). Collection method: clinical testing. Allele origin: germline.
Comment: This sequence change replaces glutamine, which is neutral and polar, with arginine, which is basic and polar, at codon 444 of the GPC3 protein (p.Gln444Arg). This variant is not present in population databases (gnomAD no frequency). Advanced modeling of protein sequence and biophysical properties (such as structural, functional, and spatial information, amino acid conservation, physicochemical variation, residue mobility, and thermodynamic stability) performed at Invitae indicates that this missense variant is expected to disrupt GPC3 protein function. This variant has not been reported in the literature in individuals affected with GPC3-related conditions. In summary, the available evidence is currently insufficient to determine the role of this variant in disease. Therefore, it has been classified as a Variant of Uncertain Significance.